The following is an entry in ClinVar:

NM_001377.3(DYNC2H1):c.5675-10T>G

Gene: DYNC2H1 (dynein cytoplasmic 2 heavy chain 1; plus strand). Cytogenetic location: 11q22.3.
Variant type: single nucleotide variant.
Coding change: c.5675-10T>G on transcript NM_001377.3 (MANE Select); 10 bases into the intron before coding-DNA position 5675, T replaced by G.
Molecular consequence: intron variant.
Genome position (GRCh38, 1-based): chr11:103,176,225, T>G. VCF-style: chr11-103176225-T-G. GRCh37 (hg19) VCF-style: chr11-103046954-T-G.
Other names: c.5675-10T>G (NM_001080463.1, NM_001080463.2).
Identifiers: ClinVar variation 2720605 (VCV002720605.5), dbSNP rs770082193, ClinGen allele CA227400764.

ClinVar aggregate classification (germline): Likely benign. Review status: criteria provided, single submitter (1 of 4 stars). 2 submissions from 2 submitters: Likely benign (1). 1 of the submissions does not count toward it. Last evaluated 2024-09-16.

Conditions:
DYNC2H1-related disorder. Also called: DYNC2H1-related disorders; DYNC2H1-related condition. Identifiers: MedGen CN378770.
Jeune thoracic dystrophy. Also called: Jeune syndrome; Infantile thoracic dystrophy; Thoracic pelvic phalangeal dystrophy; Jeune's syndrome; Chondroectodermal dysplasia-like syndrome; Short-rib thoracic dysplasia. Identifiers: Orphanet 474, MedGen C0265275, MONDO:0018770.

Allele frequency attached by ClinVar (database versions not stated): TOPMed 0.00002; gnomAD 0.00003; gnomAD exomes 0.00006.
gnomAD v4.1: 82 of 1,464,760 alleles (0.0056%); highest among the groups gnomAD compares: Non-Finnish European, 0.0072%; no homozygotes.

Submissions (2):

Labcorp Genetics (formerly Invitae), Labcorp
Classification: Likely benign for Jeune thoracic dystrophy. Last evaluated: 2024-09-16. Review status: criteria provided, single submitter. Criteria: Invitae Variant Classification Sherloc (09022015). Collection method: clinical testing. Allele origin: germline.

PreventionGenetics, part of Exact Sciences
Classification: Likely benign for DYNC2H1-related condition. Last evaluated: 2019-08-01. Review status: no assertion criteria provided. Collection method: clinical testing. Allele origin: germline. Not counted in ClinVar's aggregate classification.
Comment: This variant is classified as likely benign based on ACMG/AMP sequence variant interpretation guidelines (Richards et al. 2015 PMID: 25741868, with internal and published modifications).